The following is an entry in ClinVar:

ClinVar aggregate classification (germline): Pathogenic. Review status: criteria provided, multiple submitters, no conflicts (2 of 4 stars). 9 submissions from 9 submitters: Pathogenic (8). 1 of the submissions does not count toward it. Last evaluated 2025-10-23.

Conditions:
Familial cancer of breast. Also called: hereditary breast carcinoma; BREAST CANCER, FAMILIAL; Hereditary breast cancer. Identifiers: Orphanet 227535, MedGen C0346153, MONDO:0016419, OMIM 114480. Disease mechanism: loss of function.
Hereditary cancer-predisposing syndrome. Also called: Tumor predisposition; Hereditary Cancer Syndrome; Hereditary neoplastic syndrome; Neoplastic Syndromes, Hereditary. Identifiers: Orphanet 140162, MedGen C0027672, MeSH D009386, MONDO:0015356.
Ataxia-telangiectasia syndrome (AT). Also called: Ataxia telangiectasia (A-T); LOUIS-BAR SYNDROME; Cerebello-oculocutaneous telangiectasia; Immunodeficiency with ataxia telangiectasia; ATAXIA-TELANGIECTASIA, COMPLEMENTATION GROUP A; ATAXIA-TELANGIECTASIA, FRESNO VARIANT. Identifiers: Orphanet 100, MedGen C0004135, MONDO:0008840, OMIM 208900.
Malignant tumor of breast. Also called: Malignant breast neoplasm; Cancer breast. Identifiers: MedGen C0006142, MONDO:0007254. Disease mechanism: loss of function.

Submissions (9):

Labcorp Genetics (formerly Invitae), Labcorp
Classification: Pathogenic for Ataxia-telangiectasia syndrome. Last evaluated: 2025-10-23. Review status: criteria provided, single submitter. Criteria: Invitae Variant Classification Sherloc (09022015). Collection method: clinical testing. Allele origin: germline.
Comment: This sequence change creates a premature translational stop signal (p.Ser644*) in the ATM gene. It is expected to result in an absent or disrupted protein product. Loss-of-function variants in ATM are known to be pathogenic (PMID: 23807571, 25614872). This variant is not present in population databases (gnomAD no frequency). This premature translational stop signal has been observed in individual(s) with gastric cancer, pancreatic cancer, and ataxia telangiectasia (PMID: 10817650, 23561644, 25479140, 26098866). ClinVar contains an entry for this variant (Variation ID: 233607). RNA analysis performed to evaluate the impact of this premature translational stop signal on mRNA splicing indicates it does not significantly alter splicing (internal data). For these reasons, this variant has been classified as Pathogenic.

Ambry Genetics
Classification: Pathogenic for Hereditary cancer-predisposing syndrome. Last evaluated: 2025-01-02. Review status: criteria provided, single submitter. Criteria: Ambry Variant Classification Scheme 2023. Collection method: clinical testing. Allele origin: germline.
Comment: The p.S644* pathogenic mutation (also known as c.1931C>A), located in coding exon 12 of the ATM gene, results from a C to A substitution at nucleotide position 1931. This changes the amino acid from a serine to a stop codon within coding exon 12. This mutation has been reported in conjunction with a second pathogenic mutation in an individual with ataxia telangiectasia (A-T) (Li A and Swift M. Am J Med Genet. 2000 May 29;92(3):170-7) as well as in individuals with pancreatic cancer and in individuals with gastric cancer (Grant RC et al. Hum Genomics. 2013 Apr 5;7:11; Helgason H et al Nat. Genet. 2015 Aug;47(8):906-10). This variant is considered to be rare based on population cohorts in the Genome Aggregation Database (gnomAD). In addition to the clinical data presented in the literature, this alteration is expected to result in loss of function by premature protein truncation or nonsense-mediated mRNA decay. As such, this alteration is interpreted as a disease-causing mutation.

GeneDx
Classification: Pathogenic. Last evaluated: 2024-02-26. Review status: criteria provided, single submitter. Criteria: GeneDx Variant Classification Process June 2021. Collection method: clinical testing. Allele origin: germline. Affected: yes.
Comment: Nonsense variant predicted to result in protein truncation or nonsense mediated decay in a gene for which loss of function is a known mechanism of disease; Observed with a second ATM variant in a patient with ataxia-telangiectasia (PMID: 10817650); Observed in the heterozygous state in individuals with ATM-related cancers (PMID: 23561644, 26658419); Truncating variants in this gene are considered pathogenic by a well-established clinical consortium and/or database; Not observed at significant frequency in large population cohorts (gnomAD); This variant is associated with the following publications: (PMID: 27304073, 25525159, 23561644, 26546047, 26098866, 28246015, 30507471, Jones2018[article], 25479140, 10817650, 26658419)

Myriad Genetics, Inc.
Classification: Pathogenic for Familial cancer of breast. Last evaluated: 2024-01-17. Review status: criteria provided, single submitter. Criteria: Myriad Autosomal Dominant, Autosomal Recessive and X-Linked Classification Criteria (2023). Collection method: clinical testing. Allele origin: unknown.
Comment: This variant is considered pathogenic. This variant creates a termination codon and is predicted to result in premature protein truncation.

Women's Health and Genetics/Laboratory Corporation of America, LabCorp
Classification: Pathogenic for Malignant tumor of breast. Last evaluated: 2023-05-30. Review status: criteria provided, single submitter. Criteria: LabCorp Variant Classification Summary - May 2015. Collection method: clinical testing. Allele origin: germline.
Comment: Variant summary: ATM c.1931C>A (p.Ser644X) results in a premature termination codon, predicted to cause absence of the protein due to nonsense mediated decay, which is a commonly known mechanisms for disease. Another variant resulting in the same termination codon is classified as pathogenic in ClinVar (c.1931C>G). The variant was absent in 251128 control chromosomes (gnomAD). c.1931C>A has been reported in the literature in compound heterozygous individual(s) affected with Ataxia-Telangiectasia (Li_2000). The following publication has been ascertained in the context of this evaluation (PMID: 10817650). Six submitters have provided clinical-significance assessments for this variant to ClinVar after 2014, and classified the variant as pathogenic/likely pathogenic. Based on the evidence outlined above, the variant was classified as pathogenic.

Color Diagnostics, LLC DBA Color Health
Classification: Pathogenic for Hereditary cancer-predisposing syndrome. Last evaluated: 2020-09-28. Review status: criteria provided, single submitter. Criteria: ACMG Guidelines, 2015. Collection method: clinical testing. Allele origin: germline.
Comment: This variant changes 1 nucleotide in exon 13 of the ATM gene, creating a premature translation stop signal. This variant is expected to result in an absent or non-functional protein product. This variant has been reported in an individual affected with pancreatic cancer (PMID: 23561644, 25479140) and has been shown to be associated with an increased risk of gastric cancer in the Icelandic population (PMID: 26098866). This variant has been reported in an individual affected with ataxia-telangiectasia (PMID: 10817650). This variant has not been identified in the general population by the Genome Aggregation Database (gnomAD). Loss of ATM function is a known mechanism of disease. Based on the available evidence, this variant is classified as Pathogenic.

Department of Pathology and Laboratory Medicine, Sinai Health System
Classification: Pathogenic for Familial cancer of breast. Last evaluated: 2020-08-24. Review status: criteria provided, single submitter. Criteria: ACMG Guidelines, 2015. Collection method: clinical testing. Allele origin: germline. Affected: yes.

Fulgent Genetics
Classification: Pathogenic for Familial cancer of breast; Ataxia-telangiectasia syndrome. Last evaluated: 2018-10-31. Review status: criteria provided, single submitter. Criteria: ACMG Guidelines, 2015. Collection method: clinical testing. Allele origin: unknown.

Counsyl
Classification: Likely pathogenic for Ataxia-telangiectasia syndrome. Last evaluated: 2017-06-14. Review status: no assertion criteria provided. Collection method: clinical testing. Allele origin: unknown. Not counted in ClinVar's aggregate classification.

Literature cited by the submitters: PubMed 23807571 (cited by Labcorp Genetics (formerly Invitae), Labcorp); PubMed 25614872 (cited by Labcorp Genetics (formerly Invitae), Labcorp); PubMed 10817650 (cited by 4 submitters); PubMed 23561644 (cited by Labcorp Genetics (formerly Invitae), Labcorp and Department of Pathology and Laboratory Medicine, Sinai Health System); PubMed 25479140 (cited by Labcorp Genetics (formerly Invitae), Labcorp and Department of Pathology and Laboratory Medicine, Sinai Health System); PubMed 26098866 (cited by 3 submitters).

NM_000051.4(ATM):c.1931C>A (p.Ser644Ter)

Gene: ATM (ATM serine/threonine kinase; plus strand). Cytogenetic location: 11q22.3.
Variant type: single nucleotide variant.
Coding change: c.1931C>A on transcript NM_000051.4 (MANE Select); coding-DNA position 1931, C replaced by A.
Protein change: p.Ser644Ter; replaces serine 644 with a stop codon.
Molecular consequence: nonsense.
Genome position (GRCh38, 1-based): chr11:108,253,846, C>A. VCF-style: chr11-108253846-C-A. GRCh37 (hg19) VCF-style: chr11-108124573-C-A.
Other names: c.1931C>A, p.Ser644Ter (NM_001351834.2); short protein forms S644*.
Identifiers: ClinVar variation 233607 (VCV000233607.28), dbSNP rs768362387, ClinGen allele CA10579032.